The following is an entry in ClinVar:

NM_000179.3(MSH6):c.625G>A (p.Glu209Lys)

Gene: MSH6 (mutS homolog 6; plus strand). Cytogenetic location: 2p16.3.
Variant type: single nucleotide variant.
Coding change: c.625G>A on transcript NM_000179.3 (MANE Select); coding-DNA position 625, G replaced by A.
Protein change: p.Glu209Lys; replaces glutamic acid 209 with lysine.
Molecular consequence: missense variant. On other transcripts: 5 prime UTR variant (1), intron variant (2).
Genome position (GRCh38, 1-based): chr2:47,796,061, G>A. VCF-style: chr2-47796061-G-A. GRCh37 (hg19) VCF-style: chr2-48023200-G-A.
Other names: c.-278G>A (NM_001281494.2); c.721G>A, p.Glu241Lys (NM_001406795.1, NM_001406802.1); c.625G>A, p.Glu209Lys (NM_001406796.1, NM_001406798.1, NM_001406800.1 and 5 more transcripts); c.328G>A, p.Glu110Lys (NM_001406797.1, NM_001406801.1, NM_001406805.1 and 10 more transcripts); c.100G>A, p.Glu34Lys (NM_001406799.1, NM_001406806.1, NM_001406807.1); c.547G>A, p.Glu183Lys (NM_001406804.1); c.631G>A, p.Glu211Lys (NM_001406813.1); c.-370G>A (NM_001406814.1); and 3 more; short protein forms E183K, E211K, E209K, E110K, E241K, E34K, E153K.
Identifiers: ClinVar variation 1992984 (VCV001992984.4), dbSNP rs747477669, ClinGen allele CA346738912.

ClinVar aggregate classification (germline): Uncertain significance (1 of 4 stars; one submission).

Conditions:
Hereditary nonpolyposis colorectal neoplasms. Identifiers: MedGen C0009405, MeSH D003123.

Submission:

Labcorp Genetics (formerly Invitae), Labcorp
Classification: Uncertain significance for Hereditary nonpolyposis colorectal neoplasms. Last evaluated: 2023-08-11. Review status: criteria provided, single submitter. Criteria: Invitae Variant Classification Sherloc (09022015). Collection method: clinical testing. Allele origin: germline.
Comment: This sequence change replaces glutamic acid, which is acidic and polar, with lysine, which is basic and polar, at codon 209 of the MSH6 protein (p.Glu209Lys). This variant is not present in population databases (gnomAD no frequency). This variant has not been reported in the literature in individuals affected with MSH6-related conditions. ClinVar contains an entry for this variant (Variation ID: 1992984). An algorithm developed to predict the effect of missense changes on protein structure and function (PolyPhen-2) suggests that this variant is likely to be disruptive. In summary, the available evidence is currently insufficient to determine the role of this variant in disease. Therefore, it has been classified as a Variant of Uncertain Significance.